The following is an entry in ClinVar:

NM_004304.5(ALK):c.2744G>C (p.Trp915Ser)

Gene: ALK (ALK receptor tyrosine kinase; minus strand). Cytogenetic location: 2p23.2.
Variant type: single nucleotide variant.
Coding change: c.2744G>C on transcript NM_004304.5 (MANE Select); coding-DNA position 2744, G replaced by C.
Protein change: p.Trp915Ser; replaces tryptophan 915 with serine.
Molecular consequence: missense variant.
Genome position (GRCh38, 1-based): chr2:29,228,955, C>G on the plus strand (G>C on the coding strand, the complement: ALK is on the minus strand). VCF-style: chr2-29228955-C-G. GRCh37 (hg19) VCF-style: chr2-29451821-C-G.
Other names: c.2744G>C (NM_004304.4); short protein forms W915S.
Identifiers: ClinVar variation 1017169 (VCV001017169.9), dbSNP rs1241864472, ClinGen allele CA346469721.

ClinVar aggregate classification (germline): Uncertain significance. Review status: criteria provided, multiple submitters, no conflicts (2 of 4 stars). 2 submissions from 2 submitters: Uncertain significance (2). Last evaluated 2024-08-05.

Conditions:
Hereditary cancer-predisposing syndrome. Also called: Tumor predisposition; Hereditary Cancer Syndrome; Neoplastic Syndromes, Hereditary; Hereditary neoplastic syndrome. Identifiers: Orphanet 140162, MedGen C0027672, MeSH D009386, MONDO:0015356.
Neuroblastoma, susceptibility to, 3. Also called: ALK-Related Neuroblastic Tumor Susceptibility. Identifiers: Orphanet 635, MedGen C2751681, MONDO:0013083, OMIM 613014.

Allele frequency attached by ClinVar (database versions not stated): gnomAD exomes below 0.00001.
gnomAD v4.1: 1 of 1,590,198 alleles (0.000063%); highest among the groups gnomAD compares: Admixed American, 0.0017%; no homozygotes.

Submissions (2):

Ambry Genetics
Classification: Uncertain significance for Hereditary cancer-predisposing syndrome. Last evaluated: 2024-08-05. Review status: criteria provided, single submitter. Criteria: Ambry Variant Classification Scheme 2023. Collection method: clinical testing. Allele origin: germline.

Labcorp Genetics (formerly Invitae), Labcorp
Classification: Uncertain significance for Neuroblastoma, susceptibility to, 3. Last evaluated: 2023-10-16. Review status: criteria provided, single submitter. Criteria: Invitae Variant Classification Sherloc (09022015). Collection method: clinical testing. Allele origin: germline.
Comment: This sequence change replaces tryptophan, which is neutral and slightly polar, with serine, which is neutral and polar, at codon 915 of the ALK protein (p.Trp915Ser). This variant is present in population databases (no rsID available, gnomAD 0.003%). This variant has not been reported in the literature in individuals affected with ALK-related conditions. ClinVar contains an entry for this variant (Variation ID: 1017169). An algorithm developed to predict the effect of missense changes on protein structure and function (PolyPhen-2) suggests that this variant is likely to be disruptive. In summary, the available evidence is currently insufficient to determine the role of this variant in disease. Therefore, it has been classified as a Variant of Uncertain Significance.